The following is an entry in ClinVar:

ClinVar aggregate classification (germline): Uncertain significance (1 of 4 stars; one submission).

Conditions:
Hereditary cancer-predisposing syndrome. Also called: Neoplastic Syndromes, Hereditary; Hereditary Cancer Syndrome; Tumor predisposition; Hereditary neoplastic syndrome. Identifiers: Orphanet 140162, MedGen C0027672, MeSH D009386, MONDO:0015356.

Submission:

Ambry Genetics
Classification: Uncertain significance for Hereditary cancer-predisposing syndrome. Last evaluated: 2025-02-21. Review status: criteria provided, single submitter. Criteria: Ambry Variant Classification Scheme 2023. Collection method: clinical testing. Allele origin: germline.
Comment: The c.572-1481C>T intronic variant results from a C to T substitution 1481 nucleotides upstream from coding exon 4 in the RAD51C gene. This nucleotide position is not well conserved in available vertebrate species. In silico splice site analysis predicts that this alteration will result in the creation or strengthening of a novel splice donor site; however, direct evidence is insufficient at this time (Ambry internal data). Based on the available evidence, the clinical significance of this variant remains unclear.

NM_058216.3(RAD51C):c.572-1481C>T

Gene: RAD51C (RAD51 paralog C; plus strand). Cytogenetic location: 17q22.
Variant type: single nucleotide variant.
Coding change: c.572-1481C>T on transcript NM_058216.3 (MANE Select); 1481 bases into the intron before coding-DNA position 572, C replaced by T.
Molecular consequence: intron variant.
Genome position (GRCh38, 1-based): chr17:58,701,715, C>T. VCF-style: chr17-58701715-C-T. GRCh37 (hg19) VCF-style: chr17-56779076-C-T.
Identifiers: ClinVar variation 3786501 (VCV003786501.1).
Genomic context (GRCh38, chr17:58,701,715, plus strand): 5'-CCGTCTCCCGGGTTCAAGCCAGTCTCCTGCCTCAGCCTCCCGAGTACCTGGGATTACAGG[C>T]ATGCACCACCACACCAAGCTAATCTTTATATTTTTAGTCGAGATGTGTTTTACCATGTTG-3'